The following is an entry in ClinVar:

ClinVar aggregate classification (germline): Uncertain significance (1 of 4 stars; one submission).

Conditions:
Glycogen storage disease, type VII (GSD7). Also called: TARUI DISEASE; GSD VII; MUSCLE PHOSPHOFRUCTOKINASE DEFICIENCY; PFKM DEFICIENCY. Identifiers: Orphanet 371, MedGen C0017926, MONDO:0009295, OMIM 232800.

Allele frequency attached by ClinVar (database versions not stated): gnomAD 0.00001; gnomAD exomes 0.00002; ExAC 0.00003.
gnomAD v4.1: 23 of 1,613,880 alleles (0.0014%); highest among the groups gnomAD compares: South Asian, 0.011%; no homozygotes.

Submission:

Labcorp Genetics (formerly Invitae), Labcorp
Classification: Uncertain significance for Glycogen storage disease, type VII. Last evaluated: 2022-04-01. Review status: criteria provided, single submitter. Criteria: Invitae Variant Classification Sherloc (09022015). Collection method: clinical testing. Allele origin: germline.
Comment: This sequence change replaces glutamic acid, which is acidic and polar, with lysine, which is basic and polar, at codon 756 of the PFKM protein (p.Glu756Lys). This variant is present in population databases (rs753649298, gnomAD 0.006%). This variant has not been reported in the literature in individuals affected with PFKM-related conditions. Algorithms developed to predict the effect of missense changes on protein structure and function (SIFT, PolyPhen-2, Align-GVGD) all suggest that this variant is likely to be tolerated. In summary, the available evidence is currently insufficient to determine the role of this variant in disease. Therefore, it has been classified as a Variant of Uncertain Significance.

NM_000289.6(PFKM):c.2266G>A (p.Glu756Lys)

Gene: PFKM (phosphofructokinase, muscle; plus strand). Cytogenetic location: 12q13.11.
Variant type: single nucleotide variant.
Coding change: c.2266G>A on transcript NM_000289.6 (MANE Select); coding-DNA position 2266, G replaced by A.
Protein change: p.Glu756Lys; replaces glutamic acid 756 with lysine.
Molecular consequence: missense variant. On other transcripts: non-coding transcript variant (6).
Genome position (GRCh38, 1-based): chr12:48,145,631, G>A. VCF-style: chr12-48145631-G-A. GRCh37 (hg19) VCF-style: chr12-48539414-G-A.
Other names: c.2479G>A, p.Glu827Lys (NM_001166686.2, NM_001354737.1, NM_001354738.1 and 1 more transcripts); c.2266G>A, p.Glu756Lys (NM_001166687.2, NM_001166688.2, NM_001354742.2 and 2 more transcripts); c.2575G>A, p.Glu859Lys (NM_001354735.1, NM_001354736.1); c.2410G>A, p.Glu804Lys (NM_001354740.1); c.2290G>A, p.Glu764Lys (NM_001354741.2); c.2179G>A, p.Glu727Lys (NM_001354745.2); c.2140G>A, p.Glu714Lys (NM_001354746.2); c.2116G>A, p.Glu706Lys (NM_001354747.2, NM_001354748.2); and 1 more; short protein forms E714K, E756K, E764K, E706K, E727K, E725K, E859K, E804K.
Identifiers: ClinVar variation 2061493 (VCV002061493.1), dbSNP rs753649298, ClinGen allele CA6537581.